The following is an entry in ClinVar:

ClinVar aggregate classification (germline): Uncertain significance. Review status: criteria provided, multiple submitters, no conflicts (2 of 4 stars). 2 submissions from 2 submitters: Uncertain significance (2). Last evaluated 2024-03-08.

Conditions:
Inborn genetic diseases. Identifiers: MedGen C0950123, MeSH D030342.

gnomAD v4.1: 16 of 1,612,220 alleles (0.00099%); highest among the groups gnomAD compares: South Asian, 0.0022%; no homozygotes.

Submissions (2):

Ambry Genetics
Classification: Uncertain significance for Inborn genetic diseases. Last evaluated: 2024-03-08. Review status: criteria provided, single submitter. Criteria: Ambry Variant Classification Scheme 2023. Collection method: clinical testing. Allele origin: germline.

Labcorp Genetics (formerly Invitae), Labcorp
Classification: Uncertain significance. Last evaluated: 2022-10-13. Review status: criteria provided, single submitter. Criteria: Invitae Variant Classification Sherloc (09022015). Collection method: clinical testing. Allele origin: germline.
Comment: This sequence change replaces alanine, which is neutral and non-polar, with threonine, which is neutral and polar, at codon 1375 of the NALCN protein (p.Ala1375Thr). In summary, the available evidence is currently insufficient to determine the role of this variant in disease. Therefore, it has been classified as a Variant of Uncertain Significance. Advanced modeling of protein sequence and biophysical properties (such as structural, functional, and spatial information, amino acid conservation, physicochemical variation, residue mobility, and thermodynamic stability) performed at Invitae indicates that this missense variant is not expected to disrupt NALCN protein function. This variant has not been reported in the literature in individuals affected with NALCN-related conditions. This variant is not present in population databases (gnomAD no frequency).

NM_052867.4(NALCN):c.4123G>A (p.Ala1375Thr)

Gene: NALCN (sodium leak channel, non-selective; minus strand). Cytogenetic location: 13q32.3.
Variant type: single nucleotide variant.
Coding change: c.4123G>A on transcript NM_052867.4 (MANE Select); coding-DNA position 4123, G replaced by A.
Protein change: p.Ala1375Thr; replaces alanine 1375 with threonine.
Molecular consequence: missense variant.
Genome position (GRCh38, 1-based): chr13:101,073,658, C>T on the plus strand (G>A on the coding strand, the complement: NALCN is on the minus strand). VCF-style: chr13-101073658-C-T. GRCh37 (hg19) VCF-style: chr13-101726010-C-T.
Other names: c.4210G>A, p.Ala1404Thr (NM_001350748.2); c.4123G>A, p.Ala1375Thr (NM_001350749.2); c.4036G>A, p.Ala1346Thr (NM_001350750.2, NM_001350751.2); c.4123G>A (NM_052867.2); short protein forms A1346T, A1375T, A1404T.
Identifiers: ClinVar variation 1910122 (VCV001910122.6), dbSNP rs1011292242, ClinGen allele CA255402380.